The following is an entry in ClinVar:

NM_001139.3(ALOX12B):c.1235C>A (p.Ala412Asp)

Gene: ALOX12B (arachidonate 12-lipoxygenase, 12R type; minus strand). Cytogenetic location: 17p13.1.
Variant type: single nucleotide variant.
Coding change: c.1235C>A on transcript NM_001139.3 (MANE Select); coding-DNA position 1235, C replaced by A.
Protein change: p.Ala412Asp; replaces alanine 412 with aspartic acid.
Molecular consequence: missense variant.
Genome position (GRCh38, 1-based): chr17:8,077,030, G>T on the plus strand (C>A on the coding strand, the complement: ALOX12B is on the minus strand). VCF-style: chr17-8077030-G-T. GRCh37 (hg19) VCF-style: chr17-7980348-G-T.
Other names: short protein forms A412D.
Identifiers: ClinVar variation 2506499 (VCV002506499.1), dbSNP rs2507693171, ClinGen allele CA397991947.

ClinVar aggregate classification (germline): Uncertain significance (1 of 4 stars; one submission).

Conditions:
Autosomal recessive congenital ichthyosis 2 (ARCI2). Identifiers: Orphanet 281122, Orphanet 79394, MedGen C3888093, MONDO:0009439, OMIM 242100.

Submission:

Diagnostics Services (NGS), CSIR - Centre For Cellular And Molecular Biology
Classification: Uncertain significance for Autosomal recessive congenital ichthyosis 2. Last evaluated: 2023-06-19. Review status: criteria provided, single submitter. Criteria: ACMG Guidelines, 2015. Collection method: clinical testing. Allele origin: germline. Affected: yes. Observed: 1 variant allele, 1 homozygote.
Comment: The c.1235C>A variant is not present in publicly available population databases like 1000 Genomes, ExAC, EVS, gnomAD, Indian Exome Database or our in-house exome database. This variant has neither been published in literature nor reported to clinical databases like in ClinVar, Human Gene Mutation Database (HGMD) or OMIM, in any affected individuals. In silico pathogenicity prediction programs like SIFT, PolyPhen2, MutationTaster2, CADD, Varsome, Franklin etc predicted this variant to be likely deleterious, however these predictions were not confirmed by published functional studies.